The following is an entry in ClinVar:

ClinVar aggregate classification (germline): Uncertain significance (1 of 4 stars; one submission).

Submission:

Labcorp Genetics (formerly Invitae), Labcorp
Classification: Uncertain significance. Last evaluated: 2022-03-22. Review status: criteria provided, single submitter. Criteria: Invitae Variant Classification Sherloc (09022015). Collection method: clinical testing. Allele origin: germline.
Comment: This sequence change creates a premature translational stop signal (p.Met702Ilefs*31) in the VAC14 gene. While this is not anticipated to result in nonsense mediated decay, it is expected to disrupt the last 81 amino acid(s) of the VAC14 protein. This variant is not present in population databases (gnomAD no frequency). This variant has not been reported in the literature in individuals affected with VAC14-related conditions. In summary, the available evidence is currently insufficient to determine the role of this variant in disease. Therefore, it has been classified as a Variant of Uncertain Significance.

NM_018052.5(VAC14):c.2106del (p.Met702fs)

Gene: VAC14 (VAC14 component of PIKFYVE complex; minus strand). Cytogenetic location: 16q22.1.
Variant type: Deletion.
Coding change: c.2106del on transcript NM_018052.5 (MANE Select); coding-DNA position 2106, one base deleted (G; older notation c.2106delG).
Protein change: p.Met702fs; shifts the reading frame from methionine 702.
Molecular consequence: frameshift variant.
Genome position (GRCh38, 1-based): chr16:70,692,901, C deleted on the plus strand (G on the coding strand, the reverse complement: VAC14 is on the minus strand). VCF-style (leftmost placement, unchanged base first): chr16-70692900-GC-G. GRCh37 (hg19) VCF-style: chr16-70726803-GC-G.
Other names: c.1404del, p.Met468fs (NM_001351157.2); short protein forms M702fs, M468fs.
Identifiers: ClinVar variation 1355199 (VCV001355199.6), dbSNP rs2142985849, ClinGen allele CA2573152682.
Genomic context (GRCh38, chr16:70,692,900, plus strand): 5'-GGTTGGGCACGCACTGGAGCCGGTGCGAGAGCAGCTGGAAGGCGCTGCTCTGCGGCAGGA[GC>G]ATGAGCAGGCCGTAGAGGGCCTTGATCAGGTAGGGGTTGTTCTTCACGTCCAGCAGCTGC-3'